The following is an entry in ClinVar:

NM_001182.5(ALDH7A1):c.771T>C (p.Ile257=)

Gene: ALDH7A1 (aldehyde dehydrogenase 7 family member A1; minus strand). Cytogenetic location: 5q23.2.
Variant type: single nucleotide variant.
Coding change: c.771T>C on transcript NM_001182.5 (MANE Select); coding-DNA position 771, T replaced by C.
Protein change: p.Ile257=; no amino-acid change (isoleucine 257 retained).
Molecular consequence: synonymous variant.
Genome position (GRCh38, 1-based): chr5:126,570,784, A>G on the plus strand (T>C on the coding strand, the complement: ALDH7A1 is on the minus strand). VCF-style: chr5-126570784-A-G. GRCh37 (hg19) VCF-style: chr5-125906476-A-G.
Other names: c.687T>C, p.Ile229= (NM_001201377.2); c.771T>C, p.Ile257= (NM_001202404.2).
Identifiers: ClinVar variation 379023 (VCV000379023.10), dbSNP rs1057520469, ClinGen allele CA16604681.

ClinVar aggregate classification (germline): Likely benign. Review status: criteria provided, multiple submitters, no conflicts (2 of 4 stars). 3 submissions from 3 submitters: Likely benign (3). Last evaluated 2023-04-11.

Conditions:
Pyridoxine-dependent epilepsy (EPEO4). Also called: Pyridoxine-Dependent Epilepsy - ALDH7A1; EPILEPSY, EARLY-ONSET, 4, VITAMIN B6-DEPENDENT; Pyridoxine-Dependent Seizures; PYRIDOXINE DEPENDENCY WITH SEIZURES. Identifiers: Orphanet 3006, MedGen C1849508, MONDO:0009945, OMIM 266100. Disease mechanism: loss of function.

Submissions (3):

Genome-Nilou Lab
Classification: Likely benign for Pyridoxine-dependent epilepsy. Last evaluated: 2023-04-11. Review status: criteria provided, single submitter. Criteria: ACMG Guidelines, 2015. Collection method: clinical testing. Allele origin: germline. Affected: no.

Labcorp Genetics (formerly Invitae), Labcorp
Classification: Likely benign for Pyridoxine-dependent epilepsy. Last evaluated: 2019-09-10. Review status: criteria provided, single submitter. Criteria: Invitae Variant Classification Sherloc (09022015). Collection method: clinical testing. Allele origin: germline.

GeneDx
Classification: Likely benign. Last evaluated: 2016-05-20. Review status: criteria provided, single submitter. Criteria: GeneDx Variant Classification (06012015). Collection method: clinical testing. Allele origin: germline. Affected: yes.
Comment: This variant is considered likely benign or benign based on one or more of the following criteria: it is a conservative change, it occurs at a poorly conserved position in the protein, it is predicted to be benign by multiple in silico algorithms, and/or has population frequency not consistent with disease.